The following is an entry in ClinVar:

GRCh38/hg38 17p12(chr17:14174654-15579519)x1

Genes: CDRT15 (CMT1A duplicated region transcript 15; minus strand), CDRT3 (CMT1A duplicated region transcript 3; minus strand), CDRT4 (CMT1A duplicated region transcript 4; minus strand), CDRT7 (CMT1A duplicated region transcript 7; plus strand), CDRT8 (CMT1A duplicated region transcript 8; minus strand) and 24 more. Cytogenetic location: 17p12.
Variant type: copy number loss.
Change: copy number 1 (one copy instead of two) of chr17:14,174,654-15,579,519 (1.40 Mb, GRCh38 coordinates, 1-based), cytogenetic band 17p12.
Identifiers: ClinVar variation 4796356 (VCV004796356.1).

ClinVar aggregate classification (germline): Pathogenic (1 of 4 stars; one submission).

Submission:

Medical Genetic Center, Changzhi Maternal and Child Health Care Hospital
Classification: Pathogenic. Last evaluated: 2025-12-10. Review status: criteria provided, single submitter. Criteria: ACMG/ClinGen CNV Guidelines, 2019. Collection method: clinical testing. Allele origin: unknown.
Comment: 2A:17p12 recurrent (HNPP/CMT1A) region (includes PMP22)